The following is an entry in ClinVar:

ClinVar aggregate classification (germline): Likely pathogenic (1 of 4 stars; one submission).

Conditions:
Dilated cardiomyopathy 1KK (CMD1KK). Identifiers: Orphanet 154, Orphanet 75249, MedGen C3714995, MONDO:0014100, OMIM 615248.

Submission:

Labcorp Genetics (formerly Invitae), Labcorp
Classification: Likely pathogenic for Dilated cardiomyopathy 1KK. Last evaluated: 2022-08-14. Review status: criteria provided, single submitter. Criteria: Invitae Variant Classification Sherloc (09022015). Collection method: clinical testing. Allele origin: germline.
Comment: This variant is not present in population databases (gnomAD no frequency). This variant results in the deletion of part of exon 12 (c.2598_2703+9delinsCAACAATC) of the MYPN gene. It is expected to disrupt RNA splicing. Variants that disrupt the donor or acceptor splice site typically lead to a loss of protein function (PMID: 16199547), and loss-of-function variants in MYPN are known to be pathogenic (PMID: 28017374). In summary, the currently available evidence indicates that the variant is pathogenic, but additional data are needed to prove that conclusively. Therefore, this variant has been classified as Likely Pathogenic. This variant has not been reported in the literature in individuals affected with MYPN-related conditions.

Literature cited by the submitters: PubMed 16199547; PubMed 28017374.

NM_032578.4(MYPN):c.2598_2703+9delinsCAACAATC

Gene: MYPN (myopalladin; plus strand). Cytogenetic location: 10q21.3.
Variant type: Indel.
Coding change: c.2598_2703+9delinsCAACAATC on transcript NM_032578.4 (MANE Select); coding-DNA position 2598 through 9 bases into the intron after coding-DNA position 2703, the reference bases replaced by CAACAATC.
Molecular consequence: splice donor variant.
Genome position (GRCh38, 1-based): chr10:68,175,356-68,175,470, 115 bases replaced. GRCh37 (hg19): chr10:69,935,113-69,935,227.
Other names: c.2598_2703+9delinsCAACAATC (NM_001256267.2); c.1716_1821+9delinsCAACAATC (NM_001256268.2).
Identifiers: ClinVar variation 2024191 (VCV002024191.4), dbSNP rs2495804503, ClinGen allele CA2580081764.